The following is an entry in ClinVar:

ClinVar aggregate classification (germline): Uncertain significance (1 of 4 stars; one submission).

Conditions:
Cardiovascular phenotype. Identifiers: MedGen CN230736.
Hereditary cancer-predisposing syndrome. Also called: Neoplastic Syndromes, Hereditary; Tumor predisposition; Hereditary Cancer Syndrome; Hereditary neoplastic syndrome. Identifiers: Orphanet 140162, MedGen C0027672, MeSH D009386, MONDO:0015356.

gnomAD v4.1: 2 of 1,613,756 alleles (0.00012%); highest among the groups gnomAD compares: Non-Finnish European, 0.00017%; no homozygotes.

Submission:

Ambry Genetics
Classification: Uncertain significance for Cardiovascular phenotype; Hereditary cancer-predisposing syndrome. Last evaluated: 2025-11-26. Review status: criteria provided, single submitter. Criteria: Ambry Variant Classification Scheme 2023. Collection method: clinical testing. Allele origin: germline.
Comment: The c.5643C>T variant (also known as p.A1881A), located in coding exon 38 of the NF1 gene, results from a C to T substitution at nucleotide position 5643. This nucleotide substitution does not change the amino acid at codon 1881. This nucleotide position is highly conserved in available vertebrate species. In silico splice site analysis predicts that this alteration may result in the creation or strengthening of a novel splice acceptor site; however, direct evidence is insufficient at this time (Ambry internal data). Based on the available evidence, the clinical significance of this variant remains unclear.

NM_001042492.3(NF1):c.5706C>T (p.Ala1902=)

Gene: NF1 (neurofibromin 1; plus strand). Cytogenetic location: 17q11.2.
Variant type: single nucleotide variant.
Coding change: c.5706C>T on transcript NM_001042492.3 (MANE Select); coding-DNA position 5706, C replaced by T.
Protein change: p.Ala1902=; no amino-acid change (alanine 1902 retained).
Molecular consequence: synonymous variant.
Genome position (GRCh38, 1-based): chr17:31,330,392, C>T. VCF-style: chr17-31330392-C-T. GRCh37 (hg19) VCF-style: chr17-29657410-C-T.
Other names: c.5643C>T, p.Ala1881= (NM_000267.4).
Identifiers: ClinVar variation 4615806 (VCV004615806.1).